The following is an entry in ClinVar:

NM_033305.3(VPS13A):c.308_309del (p.Glu103fs)

Gene: VPS13A (vacuolar protein sorting 13 homolog A; plus strand). Cytogenetic location: 9q21.2.
Variant type: Deletion.
Coding change: c.308_309del on transcript NM_033305.3 (MANE Select); coding-DNA positions 308 to 309, 2 bases deleted (AA; older notation c.308_309delAA).
Protein change: p.Glu103fs; shifts the reading frame from glutamic acid 103.
Molecular consequence: frameshift variant.
Genome position (GRCh38, 1-based): chr9:77,206,002-77,206,003, AA deleted. VCF-style (leftmost placement, unchanged base first): chr9-77206001-GAA-G. GRCh37 (hg19) VCF-style: chr9-79820917-GAA-G.
Other names: c.308_309del, p.Glu103fs (NM_001018037.2, NM_001018038.3, NM_015186.4); short protein forms E103fs.
Identifiers: ClinVar variation 2878413 (VCV002878413.3), dbSNP rs2537538964, ClinGen allele CA2739269352.

ClinVar aggregate classification (germline): Pathogenic (1 of 4 stars; one submission).

Submission:

Labcorp Genetics (formerly Invitae), Labcorp
Classification: Pathogenic. Last evaluated: 2023-07-08. Review status: criteria provided, single submitter. Criteria: Invitae Variant Classification Sherloc (09022015). Collection method: clinical testing. Allele origin: germline.
Comment: This variant has not been reported in the literature in individuals affected with VPS13A-related conditions. This sequence change creates a premature translational stop signal (p.Glu103Glyfs*24) in the VPS13A gene. It is expected to result in an absent or disrupted protein product. Loss-of-function variants in VPS13A are known to be pathogenic (PMID: 12404112, 21598378). This variant is not present in population databases (gnomAD no frequency). For these reasons, this variant has been classified as Pathogenic.

Literature cited by the submitters: PubMed 12404112; PubMed 21598378.